The following is an entry in ClinVar:

ClinVar aggregate classification (germline): Uncertain significance (1 of 4 stars; one submission).

Allele frequency attached by ClinVar (database versions not stated): TOPMed below 0.00001; ExAC 0.00001; gnomAD exomes 0.00001.
gnomAD v4.1: 7 of 1,612,262 alleles (0.00043%); highest among the groups gnomAD compares: Admixed American, 0.012%; no homozygotes.

Submission:

GeneDx
Classification: Uncertain significance. Last evaluated: 2019-06-01. Review status: criteria provided, single submitter. Criteria: GeneDx Variant Classification Process June 2021. Collection method: clinical testing. Allele origin: germline. Affected: yes.
Comment: Not observed at a significant frequency in large population cohorts (Lek et al., 2016); In silico analysis, which includes protein predictors and evolutionary conservation, supports that this variant does not alter protein structure/function; Has not been previously published as pathogenic or benign to our knowledge

NM_001206999.2(CIT):c.2774T>A (p.Leu925Gln)

Gene: CIT (citron rho-interacting serine/threonine kinase; minus strand). Cytogenetic location: 12q24.23.
Variant type: single nucleotide variant.
Coding change: c.2774T>A on transcript NM_001206999.2 (MANE Select); coding-DNA position 2774, T replaced by A.
Protein change: p.Leu925Gln; replaces leucine 925 with glutamine.
Molecular consequence: missense variant.
Genome position (GRCh38, 1-based): chr12:119,752,180, A>T on the plus strand (T>A on the coding strand, the complement: CIT is on the minus strand). VCF-style: chr12-119752180-A-T. GRCh37 (hg19) VCF-style: chr12-120189985-A-T.
Other names: c.2648T>A, p.Leu883Gln (NM_007174.3); short protein forms L883Q, L925Q.
Identifiers: ClinVar variation 1305891 (VCV001305891.2), dbSNP rs756948376, ClinGen allele CA6821685.